The following is an entry in ClinVar:

NM_000388.4(CASR):c.2657G>C (p.Arg886Pro)

Gene: CASR (calcium sensing receptor; plus strand). Cytogenetic location: 3q21.1.
Variant type: single nucleotide variant.
Coding change: c.2657G>C on transcript NM_000388.4 (MANE Select); coding-DNA position 2657, G replaced by C.
Protein change: p.Arg886Pro; replaces arginine 886 with proline.
Molecular consequence: missense variant.
Genome position (GRCh38, 1-based): chr3:122,284,611, G>C. VCF-style: chr3-122284611-G-C. GRCh37 (hg19) VCF-style: chr3-122003458-G-C.
Other names: p.Arg886Pro; c.2687G>C, p.Arg896Pro (NM_001178065.2); c.2687G>C (NM_001178065.1); short protein forms R886P, R896P.
Identifiers: ClinVar variation 379932 (VCV000379932.16), dbSNP rs1057520791, ClinGen allele CA16604355.

ClinVar aggregate classification (germline): Pathogenic. Review status: criteria provided, multiple submitters, no conflicts (2 of 4 stars). 8 submissions from 8 submitters: Pathogenic (7). 1 of the submissions does not count toward it. Last evaluated 2025-12-15.

Conditions:
CASR-related disorder. Also called: CASR-related condition.
Familial hypocalciuric hypercalcemia (FHH). Also called: Familial benign hypercalcemia. Identifiers: Orphanet 405, MedGen C1809471, MONDO:0018458.
Autosomal dominant hypocalcemia 1 (HYPOC1). Also called: HYPOCALCEMIA, FAMILIAL. Identifiers: MedGen C3715128, MONDO:0011013, OMIM 601198.
Familial hypocalciuric hypercalcemia 1. Also called: Hypercalcemia, familial benign type 1. Identifiers: Orphanet 405, Orphanet 93372, MedGen C0342637, MONDO:0007791, OMIM 145980.

gnomAD v4.1: 1 of 1,614,100 alleles (0.000062%); highest among the groups gnomAD compares: Non-Finnish European, 0.000085%; no homozygotes.

Submissions (8):

Labcorp Genetics (formerly Invitae), Labcorp
Classification: Pathogenic for Familial hypocalciuric hypercalcemia; Autosomal dominant hypocalcemia 1. Last evaluated: 2025-12-15. Review status: criteria provided, single submitter. Criteria: Invitae Variant Classification Sherloc (09022015). Collection method: clinical testing. Allele origin: germline.
Comment: This sequence change replaces arginine, which is basic and polar, with proline, which is neutral and non-polar, at codon 886 of the CASR protein (p.Arg886Pro). This variant is not present in population databases (gnomAD no frequency). This missense change has been observed in individual(s) with familial hypocalciuric hypercalcemia (PMID: 11807402). It has also been observed to segregate with disease in related individuals. Invitae Evidence Modeling of clinical and family history, age, sex, and reported ancestry of multiple individuals with this CASR variant has been performed. This variant is expected to be pathogenic with a positive predictive value of at least 99%. This is a validated machine learning model that incorporates the clinical features of 646,172 individuals referred to our laboratory for CASR testing. ClinVar contains an entry for this variant (Variation ID: 379932). An algorithm developed to predict the effect of missense changes on protein structure and function (PolyPhen-2) suggests that this variant is likely to be disruptive. Experimental studies have shown that this missense change affects CASR function (PMID: 20798521). This variant disrupts the p.Arg886 amino acid residue in CASR. Other variant(s) that disrupt this residue have been determined to be pathogenic (PMID: 17698911). This suggests that this residue is clinically significant, and that variants that disrupt this residue are likely to be disease-causing. For these reasons, this variant has been classified as Pathogenic.

PreventionGenetics, part of Exact Sciences
Classification: Pathogenic for CASR-related condition. Last evaluated: 2025-11-18. Review status: criteria provided, single submitter. Criteria: ACMG Guidelines, 2015. Collection method: clinical testing. Allele origin: germline.
Comment: The CASR c.2687G>C variant is predicted to result in the amino acid substitution p.Arg896Pro. This variant is referred to as c.2657G>C (p.Arg886Pro) in the alternate transcript NM_000388. This variant has been reported in the heterozygous state to segregate in seven family members with hypercalcemia (Kindred 5780, reported as R886P in Simonds et al. 2002. PubMed ID: 11807402). Functional studies indicated that this variant results in lower levels of Ca2+-stimulated ERK1/2 phosphorylation relative to wild type CaSR (Stepanchick et al. 2010. PubMed ID: 20798521). An alternate missense change at the same amino acid position (p.Arg896Trp) has also been reported to be pathogenic (Nissen et al 2007. PubMed ID: 17698911). In summary, the c.2687G>C variant is categorized as pathogenic.

MVZ Medizinische Genetik Mainz
Classification: Pathogenic for Familial hypocalciuric hypercalcemia 1. Last evaluated: 2023-11-28. Review status: criteria provided, single submitter. Criteria: UK Practice Guidelines For Variant Classification V4 01 2020. Collection method: clinical testing. Allele origin: germline. Inheritance: Autosomal dominant inheritance. Affected: yes. Observed: 1 variant allele.
Comment: ACMG Criteria: PP1_STR,PM5,PS4_SUP,PM2_SUP,PP3,PP4

Mayo Clinic Laboratories, Mayo Clinic
Classification: Pathogenic. Last evaluated: 2023-09-12. Review status: criteria provided, single submitter. Criteria: ACMG Guidelines, 2015. Collection method: clinical testing. Allele origin: germline. Observed: 1 variant allele.
Comment: PP1_strong, PP3, PM2, PM5_supporting, PS3_supporting, PS4_moderate

Athena Diagnostics
Classification: Pathogenic. Last evaluated: 2022-04-19. Review status: criteria provided, single submitter. Criteria: Athena Diagnostics Criteria. Collection method: clinical testing. Allele origin: unknown.
Comment: This variant appears to segregate with disease in at least one family. This variant has not been reported in large, multi-ethnic general populations. Assessment of experimental evidence suggests this variant results in abnormal protein function. This variant was shown to impair receptor function (PMID: 20798521).

Blueprint Genetics
Classification: Pathogenic for CASR-related disorders. Last evaluated: 2019-06-11. Review status: criteria provided, single submitter. Criteria: ACMG Guidelines, 2015. Collection method: clinical testing. Allele origin: germline. Affected: yes. Observed: 1 variant allele.

GeneDx
Classification: Pathogenic. Last evaluated: 2018-01-19. Review status: criteria provided, single submitter. Criteria: GeneDx Variant Classification (06012015). Collection method: clinical testing. Allele origin: germline. Affected: yes.
Comment: The R886P missense variant in the CASR gene has been previously reported to segregate with disease in at least one family with familial hypocalciuric hyercalcemia (Simmonds et al., 2002). A functional study of the R886P variant has shown that it results in increased expression with reduced levels of calcium-stimulated ERK 1/2 phosphorylation (Stepanchick et al., 2010). This variant is not observed in large population cohorts (Lek et al., 2016; 1000 Genomes Consortium et al., 2015; Exome Variant Server). R886P is a non-conservative amino acid substitution, which is likely to impact secondary protein structure as these residues differ in polarity, charge, size and/or other properties. This substitution occurs at a position where amino acids with similar properties to arginine are tolerated across species. A missense variant at the same codon (R886W) has been reported in association with hypocalciuric hypercalcaemia, supporting the functional importance of this region of the protein (Nissen et al., 2007). Based on currently available evidence, we consider R886P to be pathogenic.

OMIM
Classification: Pathogenic for HYPOCALCIURIC HYPERCALCEMIA, FAMILIAL, TYPE I. Last evaluated: 2002-01-01. Review status: no assertion criteria provided. Collection method: literature only. Allele origin: germline. Not counted in ClinVar's aggregate classification.

Literature cited by the submitters: PubMed 11807402 (cited by 4 submitters); PubMed 20798521 (cited by 3 submitters); PubMed 17698911 (cited by Labcorp Genetics (formerly Invitae), Labcorp and Mayo Clinic Laboratories, Mayo Clinic).